The following is an entry in ClinVar:

NM_005546.4(ITK):c.364C>A (p.Pro122Thr)

Gene: ITK (IL2 inducible T cell kinase; plus strand). Cytogenetic location: 5q33.3.
Variant type: single nucleotide variant.
Coding change: c.364C>A on transcript NM_005546.4 (MANE Select); coding-DNA position 364, C replaced by A.
Protein change: p.Pro122Thr; replaces proline 122 with threonine.
Molecular consequence: missense variant.
Genome position (GRCh38, 1-based): chr5:157,214,229, C>A. VCF-style: chr5-157214229-C-A. GRCh37 (hg19) VCF-style: chr5-156641240-C-A.
Other names: short protein forms P122T.
Identifiers: ClinVar variation 934848 (VCV000934848.9), dbSNP rs1362373639, ClinGen allele CA361950916.

ClinVar aggregate classification (germline): Uncertain significance (1 of 4 stars; one submission).

Conditions:
Lymphoproliferative syndrome 1 (LPFS1). Identifiers: Orphanet 238505, Orphanet 538963, MedGen C3552634, MONDO:0013081, OMIM 613011.

Allele frequency attached by ClinVar (database versions not stated): gnomAD exomes below 0.00001; gnomAD 0.00001.
gnomAD v4.1: 4 of 1,609,192 alleles (0.00025%); highest among the groups gnomAD compares: Non-Finnish European, 0.00034%; no homozygotes.

Submission:

Labcorp Genetics (formerly Invitae), Labcorp
Classification: Uncertain significance for Lymphoproliferative syndrome 1. Last evaluated: 2023-01-03. Review status: criteria provided, single submitter. Criteria: Invitae Variant Classification Sherloc (09022015). Collection method: clinical testing. Allele origin: germline.
Comment: In summary, the available evidence is currently insufficient to determine the role of this variant in disease. Therefore, it has been classified as a Variant of Uncertain Significance. Advanced modeling of protein sequence and biophysical properties (such as structural, functional, and spatial information, amino acid conservation, physicochemical variation, residue mobility, and thermodynamic stability) performed at Invitae indicates that this missense variant is not expected to disrupt ITK protein function. ClinVar contains an entry for this variant (Variation ID: 934848). This variant has not been reported in the literature in individuals affected with ITK-related conditions. This variant is present in population databases (no rsID available, gnomAD 0.0009%). This sequence change replaces proline, which is neutral and non-polar, with threonine, which is neutral and polar, at codon 122 of the ITK protein (p.Pro122Thr).